The following is an entry in ClinVar:

NM_004082.5(DCTN1):c.310A>G (p.Thr104Ala)

Gene: DCTN1 (dynactin subunit 1; minus strand). Cytogenetic location: 2p13.1.
Variant type: single nucleotide variant.
Coding change: c.310A>G on transcript NM_004082.5 (MANE Select); coding-DNA position 310, A replaced by G.
Protein change: p.Thr104Ala; replaces threonine 104 with alanine.
Molecular consequence: missense variant. On other transcripts: non-coding transcript variant (1).
Genome position (GRCh38, 1-based): chr2:74,377,696, T>C on the plus strand (A>G on the coding strand, the complement: DCTN1 is on the minus strand). VCF-style: chr2-74377696-T-C. GRCh37 (hg19) VCF-style: chr2-74604823-T-C.
Other names: c.310A>G, p.Thr104Ala (NM_001135040.3, NM_001190837.2); c.259A>G, p.Thr87Ala (NM_001190836.2, NM_001378991.1, NM_001378992.1); short protein forms T104A, T87A.
Identifiers: ClinVar variation 2936990 (VCV002936990.3), dbSNP rs766344308, ClinGen allele CA347321237.
Genomic context (GRCh38, chr2:74,377,696, plus strand): 5'-GGTGGTTGTTACCTCTTTTGAGGACTTTTGAAGCAGAAGAATCAGGTGTCTCTGGGGAAG[T>C]AGTATCTGCTCCATCTTCAAATACCTGGATCTGAGGCCAGATTCAATATAGCCAGATCAA-3'
Protein context (NP_004073.2, residues 94-114): IQVFEDGADT[Thr104Ala]SPETPDSSAS

ClinVar aggregate classification (germline): Uncertain significance (1 of 4 stars; one submission).

Conditions:
Amyotrophic lateral sclerosis type 1 (ALS1). Also called: AMYOTROPHIC LATERAL SCLEROSIS 1, FAMILIAL. Identifiers: Orphanet 803, MedGen C1862939, MONDO:0007103, OMIM 105400.
Neuronopathy, distal hereditary motor, type 7B. Also called: HMN VIIB; LOWER MOTOR NEURON DISEASE, DYNACTIN TYPE; NEURONOPATHY, DISTAL HEREDITARY MOTOR, AUTOSOMAL DOMINANT 14; NEURONOPATHY, DISTAL HEREDITARY MOTOR, HARDING TYPE VIIB; NEUROPATHY, DISTAL HEREDITARY MOTOR, HARDING TYPE VIIB; NEUROPATHY, DISTAL HEREDITARY MOTOR, WITH VOCAL CORD PARALYSIS, HARDING TYPE VIIB. Identifiers: Orphanet 139589, MedGen C1843315, MONDO:0011879, OMIM 607641.
Perry syndrome. Also called: PARKINSONISM WITH ALVEOLAR HYPOVENTILATION AND MENTAL DEPRESSION. Identifiers: Orphanet 178509, MedGen C1868594, MONDO:0008201, OMIM 168605.

Submission:

Labcorp Genetics (formerly Invitae), Labcorp
Classification: Uncertain significance for Amyotrophic lateral sclerosis type 1; Neuronopathy, distal hereditary motor, type 7B; Perry syndrome. Last evaluated: 2024-11-24. Review status: criteria provided, single submitter. Criteria: Invitae Variant Classification Sherloc (09022015). Collection method: clinical testing. Allele origin: germline.
Comment: This sequence change replaces threonine, which is neutral and polar, with alanine, which is neutral and non-polar, at codon 104 of the DCTN1 protein (p.Thr104Ala). This variant is not present in population databases (gnomAD no frequency). This variant has not been reported in the literature in individuals affected with DCTN1-related conditions. ClinVar contains an entry for this variant (Variation ID: 2936990). Invitae Evidence Modeling of protein sequence and biophysical properties (such as structural, functional, and spatial information, amino acid conservation, physicochemical variation, residue mobility, and thermodynamic stability) indicates that this missense variant is not expected to disrupt DCTN1 protein function with a negative predictive value of 95%. In summary, the available evidence is currently insufficient to determine the role of this variant in disease. Therefore, it has been classified as a Variant of Uncertain Significance.